The following is an entry in ClinVar:

ClinVar aggregate classification (germline): Uncertain significance (1 of 4 stars; one submission).

Allele frequency attached by ClinVar (database versions not stated): gnomAD 0.00001; gnomAD exomes 0.00001; ExAC 0.00002; TOPMed 0.00002.
gnomAD v4.1: 10 of 1,614,002 alleles (0.00062%); highest among the groups gnomAD compares: Non-Finnish European, 0.00085%; no homozygotes.

Submission:

Labcorp Genetics (formerly Invitae), Labcorp
Classification: Uncertain significance. Last evaluated: 2024-04-29. Review status: criteria provided, single submitter. Criteria: Invitae Variant Classification Sherloc (09022015). Collection method: clinical testing. Allele origin: germline.
Comment: This sequence change replaces valine, which is neutral and non-polar, with isoleucine, which is neutral and non-polar, at codon 1588 of the PCDH15 protein (p.Val1588Ile). This variant is present in population databases (rs774226248, gnomAD 0.003%). This variant has not been reported in the literature in individuals affected with PCDH15-related conditions. ClinVar contains an entry for this variant (Variation ID: 1369283). An algorithm developed to predict the effect of missense changes on protein structure and function (PolyPhen-2) suggests that this variant is likely to be tolerated. In summary, the available evidence is currently insufficient to determine the role of this variant in disease. Therefore, it has been classified as a Variant of Uncertain Significance.

NM_033056.4(PCDH15):c.4762G>A (p.Val1588Ile)

Gene: PCDH15 (protocadherin related 15; minus strand). Cytogenetic location: 10q21.1.
Variant type: single nucleotide variant.
Coding change: c.4762G>A on transcript NM_033056.4 (MANE Plus Clinical); coding-DNA position 4762, G replaced by A.
Protein change: p.Val1588Ile; replaces valine 1588 with isoleucine.
Molecular consequence: missense variant. On other transcripts: intron variant (8).
Genome position (GRCh38, 1-based): chr10:53,822,964, C>T on the plus strand (G>A on the coding strand, the complement: PCDH15 is on the minus strand). VCF-style: chr10-53822964-C-T. GRCh37 (hg19) VCF-style: chr10-55582724-C-T.
Other names: c.4783G>A, p.Val1595Ile (NM_001142763.2); c.4768G>A, p.Val1590Ile (NM_001142764.2); c.4555G>A, p.Val1519Ile (NM_001142765.2); c.4753G>A, p.Val1585Ile (NM_001142766.2); c.4642G>A, p.Val1548Ile (NM_001142767.2); c.4702G>A, p.Val1568Ile (NM_001142768.2); c.4693G>A, p.Val1565Ile (NM_001142773.2); c.4696G>A, p.Val1566Ile (NM_001354404.2); and 6 more; short protein forms V1565I, V1585I, V1590I, V1566I, V1568I, V1588I, V1519I, V1548I.
Identifiers: ClinVar variation 1369283 (VCV001369283.8), dbSNP rs774226248, ClinGen allele CA5505196.